The following is an entry in ClinVar:

ClinVar aggregate classification (germline): Uncertain significance. Review status: criteria provided, multiple submitters, no conflicts (2 of 4 stars). 2 submissions from 2 submitters: Uncertain significance (2). Last evaluated 2024-07-14.

Conditions:
Inborn genetic diseases. Identifiers: MedGen C0950123, MeSH D030342.
Immunodeficiency 104. Also called: Severe combined immunodeficiency, autosomal recessive, T cell-negative, B cell-positive, NK cell-positive; Severe Combined Immune Deficiency, Autosomal Recessive, TCell -Negative, B Cell-Positive, NK Cell-Positive, IL7R-Related; SCID, AUTOSOMAL RECESSIVE, T CELL-NEGATIVE, B CELL-POSITIVE, NK CELL-POSITIVE; IMMUNODEFICIENCY 104, SEVERE COMBINED. Identifiers: MedGen C5676890, MONDO:0012163, OMIM 608971.

Allele frequency attached by ClinVar (database versions not stated): ExAC 0.00001; gnomAD 0.00001; gnomAD exomes 0.00001; TOPMed 0.00001.
gnomAD v4.1: 5 of 1,613,176 alleles (0.00031%); highest among the groups gnomAD compares: Admixed American, 0.0017%; no homozygotes.

Submissions (2):

Ambry Genetics
Classification: Uncertain significance for Inborn genetic diseases. Last evaluated: 2024-07-14. Review status: criteria provided, single submitter. Criteria: Ambry Variant Classification Scheme 2023. Collection method: clinical testing. Allele origin: germline.

Labcorp Genetics (formerly Invitae), Labcorp
Classification: Uncertain significance for Immunodeficiency 104. Last evaluated: 2021-08-26. Review status: criteria provided, single submitter. Criteria: Invitae Variant Classification Sherloc (09022015). Collection method: clinical testing. Allele origin: germline.
Comment: This sequence change replaces isoleucine with threonine at codon 1246 of the PTPRC protein (p.Ile1246Thr). The isoleucine residue is moderately conserved and there is a moderate physicochemical difference between isoleucine and threonine. This variant is present in population databases (rs770664477, ExAC 0.009%). This variant has not been reported in the literature in individuals affected with PTPRC-related conditions. Algorithms developed to predict the effect of missense changes on protein structure and function are either unavailable or do not agree on the potential impact of this missense change (SIFT: "Deleterious"; PolyPhen-2: "Possibly Damaging"; Align-GVGD: "Class C0"). In summary, the available evidence is currently insufficient to determine the role of this variant in disease. Therefore, it has been classified as a Variant of Uncertain Significance.

NM_002838.5(PTPRC):c.3737T>C (p.Ile1246Thr)

Gene: PTPRC (protein tyrosine phosphatase receptor type C; plus strand). Cytogenetic location: 1q32.1.
Variant type: single nucleotide variant.
Coding change: c.3737T>C on transcript NM_002838.5 (MANE Select); coding-DNA position 3737, T replaced by C.
Protein change: p.Ile1246Thr; replaces isoleucine 1246 with threonine.
Molecular consequence: missense variant.
Genome position (GRCh38, 1-based): chr1:198,755,997, T>C. VCF-style: chr1-198755997-T-C. GRCh37 (hg19) VCF-style: chr1-198725126-T-C.
Other names: c.3254T>C, p.Ile1085Thr (NM_080921.4); c.3731T>C (NM_002838.3); short protein forms I1085T, I1246T.
Identifiers: ClinVar variation 1352041 (VCV001352041.6), dbSNP rs770664477, ClinGen allele CA1315549.